The following is an entry in ClinVar:

ClinVar aggregate classification (germline): Pathogenic (1 of 4 stars; one submission).

Submission:

Labcorp Genetics (formerly Invitae), Labcorp
Classification: Pathogenic. Last evaluated: 2024-05-13. Review status: criteria provided, single submitter. Criteria: Invitae Variant Classification Sherloc (09022015). Collection method: clinical testing. Allele origin: germline.
Comment: This sequence change creates a premature translational stop signal (p.Ile207Cysfs*13) in the PKLR gene. It is expected to result in an absent or disrupted protein product. Loss-of-function variants in PKLR are known to be pathogenic (PMID: 15953013, 26832193). This variant is not present in population databases (gnomAD no frequency). This variant has not been reported in the literature in individuals affected with PKLR-related conditions. Algorithms developed to predict the effect of sequence changes on RNA splicing suggest that this variant may disrupt the consensus splice site. For these reasons, this variant has been classified as Pathogenic.

Literature cited by the submitters: PubMed 15953013; PubMed 26832193.

NM_000298.6(PKLR):c.619_620del (p.Ile207fs)

Gene: PKLR (pyruvate kinase L/R; minus strand). Cytogenetic location: 1q22.
Variant type: Microsatellite.
Coding change: c.619_620del on transcript NM_000298.6 (MANE Select); coding-DNA positions 619 to 620, 2 bases deleted (AT; older notation c.619_620delAT).
Protein change: p.Ile207fs; shifts the reading frame from isoleucine 207.
Molecular consequence: frameshift variant.
Genome position (GRCh38, 1-based): chr1:155,295,190-155,295,191, AT deleted on the plus strand (AT on the coding strand, the reverse complement: PKLR is on the minus strand); deleting any 2 consecutive bases within chr1:155,295,190-155,295,193 gives the same sequence; the c. name uses the placement nearest the transcript's 3' end. VCF-style (leftmost placement, unchanged base first): chr1-155295189-AAT-A. GRCh37 (hg19) VCF-style: chr1-155264980-AAT-A.
Other names: c.526_527del, p.Ile176fs (NM_181871.4); short protein forms I176fs, I207fs.
Identifiers: ClinVar variation 3649817 (VCV003649817.2).